The following is an entry in ClinVar:

NM_002181.4(IHH):c.160C>T (p.Pro54Ser)

Gene: IHH (Indian hedgehog signaling molecule; minus strand). Cytogenetic location: 2q35.
Variant type: single nucleotide variant.
Coding change: c.160C>T on transcript NM_002181.4 (MANE Select); coding-DNA position 160, C replaced by T.
Protein change: p.Pro54Ser; replaces proline 54 with serine.
Molecular consequence: missense variant.
Genome position (GRCh38, 1-based): chr2:219,060,308, G>A on the plus strand (C>T on the coding strand, the complement: IHH is on the minus strand). VCF-style: chr2-219060308-G-A. GRCh37 (hg19) VCF-style: chr2-219925030-G-A.
Other names: short protein forms P54S.
Identifiers: ClinVar variation 1445393 (VCV001445393.6), dbSNP rs2106310598, ClinGen allele CA350637205.

ClinVar aggregate classification (germline): Uncertain significance (1 of 4 stars; one submission).

Submission:

Labcorp Genetics (formerly Invitae), Labcorp
Classification: Uncertain significance. Last evaluated: 2021-09-15. Review status: criteria provided, single submitter. Criteria: Invitae Variant Classification Sherloc (09022015). Collection method: clinical testing. Allele origin: germline.
Comment: In summary, the available evidence is currently insufficient to determine the role of this variant in disease. Therefore, it has been classified as a Variant of Uncertain Significance. Algorithms developed to predict the effect of missense changes on protein structure and function are either unavailable or do not agree on the potential impact of this missense change (SIFT: "Deleterious"; PolyPhen-2: "Probably Damaging"; Align-GVGD: "Class C0"). This variant has not been reported in the literature in individuals affected with IHH-related conditions. This variant is not present in population databases (ExAC no frequency). This sequence change replaces proline with serine at codon 54 of the IHH protein (p.Pro54Ser). The proline residue is highly conserved and there is a moderate physicochemical difference between proline and serine.